The following is an entry in ClinVar:

ClinVar aggregate classification (germline): Likely pathogenic (1 of 4 stars; one submission).

Allele frequency attached by ClinVar (database versions not stated): gnomAD exomes below 0.00001.

Submission:

GeneDx
Classification: Likely pathogenic. Last evaluated: 2012-12-27. Review status: criteria provided, single submitter. Criteria: GeneDx Variant Classification (06012015). Collection method: clinical testing. Allele origin: germline. Affected: yes.
Comment: p.Leu1055Met (CTG>ATG): c.3163 C>A in exon 25 of the MYH7 gene (NM_000257.2). The Leu1055Met variant in the MYH7 gene has not been reported as a disease-causing mutation or as a benign polymorphism to our knowledge. Leu1055Met results in a conservative amino acid substitution of one non-polar amino acid with another at a position that is conserved across species. In silico analysis predicts Leu1055Met is damaging to the protein structure/function. Mutations in nearby residues (Arg1053Gln, Gly1057Asp, Gly1057Ser) have been reported in association with cardiomyopathy, further supporting the functional importance of this region of the protein. Furthermore, the NHLBI ESP Exome Variant Server reports Leu1055Met was not observed in approximately 6,500 samples from individuals of European and African American backgrounds, indicating it is not a common benign variant in these populations. In summary, while Leu1055Met is a good candidate for a disease-causing mutation, with the clinical and molecular information available at this time we cannot unequivocally determine the clinical significance of this variant. The variant is found in HCM panel(s).

NM_000257.4(MYH7):c.3163C>A (p.Leu1055Met)

Gene: MYH7 (myosin heavy chain 7; minus strand). Cytogenetic location: 14q11.2.
Variant type: single nucleotide variant.
Coding change: c.3163C>A on transcript NM_000257.4 (MANE Select); coding-DNA position 3163, C replaced by A.
Protein change: p.Leu1055Met; replaces leucine 1055 with methionine.
Molecular consequence: missense variant.
Genome position (GRCh38, 1-based): chr14:23,422,262, G>T on the plus strand (C>A on the coding strand, the complement: MYH7 is on the minus strand). VCF-style: chr14-23422262-G-T. GRCh37 (hg19) VCF-style: chr14-23891471-G-T.
Other names: p.L1055M:CTG>ATG; c.3163C>A (LRG_384t1); short protein forms L1055M.
Identifiers: ClinVar variation 181216 (VCV000181216.2), dbSNP rs730880769, ClinGen allele CA013428.